The following is an entry in ClinVar:

NM_000079.4(CHRNA1):c.*411G>A

Gene: CHRNA1 (cholinergic receptor nicotinic alpha 1 subunit; minus strand). Cytogenetic location: 2q31.1.
Variant type: single nucleotide variant.
Coding change: c.*411G>A on transcript NM_000079.4 (MANE Select); 411 bases downstream of the stop codon, G replaced by A.
Molecular consequence: 3 prime UTR variant.
Genome position (GRCh38, 1-based): chr2:174,747,713, C>T on the plus strand (G>A on the coding strand, the complement: CHRNA1 is on the minus strand). VCF-style: chr2-174747713-C-T. GRCh37 (hg19) VCF-style: chr2-175612441-C-T.
Other names: c.*411G>A (NM_001039523.3).
Identifiers: ClinVar variation 332431 (VCV000332431.5), dbSNP rs560280191, ClinGen allele CA10611918.

ClinVar aggregate classification (germline): Conflicting classifications of pathogenicity. Review status: criteria provided, conflicting classifications (1 of 4 stars). 2 submissions from 1 submitter: Uncertain significance (1); Likely benign (1). Last evaluated 2018-01-13.

Conditions:
Congenital myasthenic syndrome (CMS). Also called: Congenital Myasthenic Syndromes. Identifiers: Orphanet 590, MedGen C0751882, MeSH D020294, MONDO:0018940.
Lethal multiple pterygium syndrome (LMPS). Identifiers: Orphanet 33108, MedGen C1854678, MONDO:0009668, OMIM 253290.

Allele frequency attached by ClinVar (database versions not stated): gnomAD 0.00057 and 0.00083; TOPMed 0.00068; 1000 Genomes Project 0.00200; 1000 Genomes Project 30x 0.00203; gnomAD exomes 0.00236.
gnomAD v4.1: 379 of 261,324 alleles (0.15%); highest among the groups gnomAD compares: South Asian, 1.1%; 4 homozygotes.

Submissions (2):

Illumina Laboratory Services, Illumina
Classification: Likely benign for Lethal multiple pterygium syndrome. Last evaluated: 2018-01-13. Review status: criteria provided, single submitter. Criteria: ICSL Variant Classification Criteria 13 December 2019. Collection method: clinical testing. Allele origin: germline.
Comment: This variant was observed in the ICSL laboratory as part of a predisposition screen in an ostensibly healthy population. It had not been previously curated by ICSL or reported in the Human Gene Mutation Database (HGMD: prior to June 1st, 2018), and was therefore a candidate for classification through an automated scoring system. Utilizing variant allele frequency, disease prevalence and penetrance estimates, and inheritance mode, an automated score was calculated to assess if this variant is too frequent to cause the disease. Based on the score and internal cut-off values, a variant classified as likely benign is not then subjected to further curation. The score for this variant resulted in a classification of likely benign for this disease.

Illumina Laboratory Services, Illumina
Classification: Uncertain significance for Congenital myasthenic syndrome. Last evaluated: 2018-01-13. Review status: criteria provided, single submitter. Criteria: ICSL Variant Classification Criteria 13 December 2019. Collection method: clinical testing. Allele origin: germline.